The following is an entry in ClinVar:

ClinVar aggregate classification (germline): Uncertain significance (1 of 4 stars; one submission).

Conditions:
Inborn genetic diseases. Identifiers: MedGen C0950123, MeSH D030342.

Allele frequency attached by ClinVar (database versions not stated): TOPMed 0.00001.

Submission:

Ambry Genetics
Classification: Uncertain significance for Inborn genetic diseases. Last evaluated: 2021-10-16. Review status: criteria provided, single submitter. Criteria: Ambry Variant Classification Scheme 2023. Collection method: clinical testing. Allele origin: germline.
Comment: The p.L183V variant (also known as c.547C>G), located in coding exon 3 of the ACD gene, results from a C to G substitution at nucleotide position 547. The leucine at codon 183 is replaced by valine, an amino acid with highly similar properties. This amino acid position is conserved. In addition, this alteration is predicted to be tolerated by in silico analysis. Since supporting evidence is limited at this time, the clinical significance of this alteration remains unclear.

NM_001082486.2(ACD):c.289C>G (p.Leu97Val)

Gene: ACD (ACD shelterin complex subunit and telomerase recruitment factor; minus strand). Cytogenetic location: 16q22.1.
Variant type: single nucleotide variant.
Coding change: c.289C>G on transcript NM_001082486.2 (MANE Select); coding-DNA position 289, C replaced by G.
Protein change: p.Leu97Val; replaces leucine 97 with valine.
Molecular consequence: missense variant.
Genome position (GRCh38, 1-based): chr16:67,659,749, G>C on the plus strand (C>G on the coding strand, the complement: ACD is on the minus strand). VCF-style: chr16-67659749-G-C. GRCh37 (hg19) VCF-style: chr16-67693652-G-C.
Other names: c.289C>G, p.Leu97Val (NM_001410884.1); c.280C>G, p.Leu94Val (NM_022914.3); short protein forms L97V, L94V.
Identifiers: ClinVar variation 1747781 (VCV001747781.2), dbSNP rs530732740, ClinGen allele CA283218458.